The following is an entry in ClinVar:

NM_001061.7(TBXAS1):c.396G>A (p.Trp132Ter)

Gene: TBXAS1 (thromboxane A synthase 1; plus strand). Cytogenetic location: 7q34.
Variant type: single nucleotide variant.
Coding change: c.396G>A on transcript NM_001061.7 (MANE Select); coding-DNA position 396, G replaced by A.
Protein change: p.Trp132Ter; replaces tryptophan 132 with a stop codon.
Molecular consequence: nonsense.
Genome position (GRCh38, 1-based): chr7:139,936,253, G>A. VCF-style: chr7-139936253-G-A. GRCh37 (hg19) VCF-style: chr7-139636052-G-A.
Other names: c.396G>A, p.Trp132Ter (NM_001130966.5, NM_001166253.4, NM_030984.6); c.195G>A, p.Trp65Ter (NM_001166254.4); c.339G>A, p.Trp113Ter (NM_001314028.4); c.213G>A, p.Trp71Ter (NM_001366537.3); short protein forms W113*, W65*, W71*, W133*, W132*.
Identifiers: ClinVar variation 3010034 (VCV003010034.3), dbSNP rs1046174429, ClinGen allele CA167950468.

ClinVar aggregate classification (germline): Pathogenic (1 of 4 stars; one submission).

Allele frequency attached by ClinVar (database versions not stated): TOPMed below 0.00001; gnomAD 0.00001; gnomAD exomes 0.00001.
gnomAD v4.1: 12 of 1,614,090 alleles (0.00074%); highest among the groups gnomAD compares: Non-Finnish European, 0.001%; no homozygotes.

Submission:

Labcorp Genetics (formerly Invitae), Labcorp
Classification: Pathogenic. Last evaluated: 2023-05-30. Review status: criteria provided, single submitter. Criteria: Invitae Variant Classification Sherloc (09022015). Collection method: clinical testing. Allele origin: germline.
Comment: This variant is present in population databases (no rsID available, gnomAD 0.002%). This sequence change creates a premature translational stop signal (p.Trp133*) in the TBXAS1 gene. It is expected to result in an absent or disrupted protein product. Loss-of-function variants in TBXAS1 are known to be pathogenic (PMID: 22735388). This variant has not been reported in the literature in individuals affected with TBXAS1-related conditions. For these reasons, this variant has been classified as Pathogenic.

Literature cited by the submitters: PubMed 22735388.